The following is an entry in ClinVar:

NM_172351.3(CD46):c.857-148C>T

Gene: CD46 (CD46 molecule; plus strand). Cytogenetic location: 1q32.2.
Variant type: single nucleotide variant.
Coding change: c.857-148C>T on transcript NM_172351.3 (MANE Select); 148 bases into the intron before coding-DNA position 857, C replaced by T.
Molecular consequence: intron variant. On other transcripts: missense variant (2).
Genome position (GRCh38, 1-based): chr1:207,767,631, C>T. VCF-style: chr1-207767631-C-T. GRCh37 (hg19) VCF-style: chr1-207940976-C-T.
Other names: c.881C>T, p.Pro294Leu (NM_002389.4, NM_172359.3); c.857-148C>T (NM_153826.4, NM_172358.3, NM_172355.3 and 1 more transcripts); c.856+436C>T (NM_172352.3, NM_172353.3, NM_172350.3 and 2 more transcripts); short protein forms P294L.
Identifiers: ClinVar variation 4291193 (VCV004291193.1).

ClinVar aggregate classification (germline): Uncertain significance (1 of 4 stars; one submission).

Conditions:
Atypical hemolytic-uremic syndrome. Identifiers: Orphanet 2134, MedGen C2931788, MONDO:0016244.

Submission:

Genomenon, Inc
Classification: Uncertain significance for Atypical hemolytic-uremic syndrome. Last evaluated: 2025-10-02. Review status: criteria provided, single submitter. Criteria: Genomenon Sequence Variant Interpretation Standards. Collection method: curation. Allele origin: germline. Affected: yes.
Comment: CD46 p.Pro294Leu (c.881C>T) is a missense variant that changes the amino acid at residue 294 from Proline to Leucine. This variant has been observed in at least one proband affected with atypical hemolytic-uremic syndrome (PMID:29500241). It is absent or not present at a significant frequency in gnomAD. In silico models agree that this variant is not damaging. In conclusion, we classify CD46 p.Pro294Leu (c.881C>T) as a variant of uncertain significance.

Literature cited by the submitters: PubMed 29500241.